The following is an entry in ClinVar:

NM_000264.5(PTCH1):c.892A>G (p.Asn298Asp)

Gene: PTCH1 (patched 1; minus strand). Cytogenetic location: 9q22.32.
Variant type: single nucleotide variant.
Coding change: c.892A>G on transcript NM_000264.5 (MANE Select); coding-DNA position 892, A replaced by G.
Protein change: p.Asn298Asp; replaces asparagine 298 with aspartic acid.
Molecular consequence: missense variant. On other transcripts: non-coding transcript variant (1).
Genome position (GRCh38, 1-based): chr9:95,480,443, T>C on the plus strand (A>G on the coding strand, the complement: PTCH1 is on the minus strand). VCF-style: chr9-95480443-T-C. GRCh37 (hg19) VCF-style: chr9-98242725-T-C.
Other names: c.694A>G, p.Asn232Asp (NM_001083602.3); c.889A>G, p.Asn297Asp (NM_001083603.3); c.439A>G, p.Asn147Asp (NM_001083604.3, NM_001083605.3, NM_001083606.3 and 1 more transcripts); c.892A>G, p.Asn298Asp (NM_001354918.2); short protein forms N298D, N232D, N147D, N297D.
Identifiers: ClinVar variation 2449639 (VCV002449639.5), dbSNP rs1588609918, ClinGen allele CA374113832.

ClinVar aggregate classification (germline): Uncertain significance. Review status: criteria provided, multiple submitters, no conflicts (2 of 4 stars). 2 submissions from 2 submitters: Uncertain significance (2). Last evaluated 2025-09-23.

Conditions:
Hereditary cancer-predisposing syndrome. Also called: Hereditary neoplastic syndrome; Tumor predisposition; Neoplastic Syndromes, Hereditary; Hereditary Cancer Syndrome. Identifiers: Orphanet 140162, MedGen C0027672, MeSH D009386, MONDO:0015356.
Gorlin syndrome. Also called: Nevoid Basal Cell Carcinoma Syndrome; Basal cell nevus syndrome. Identifiers: Orphanet 377, MedGen C0004779, MONDO:0007187.

Submissions (2):

Labcorp Genetics (formerly Invitae), Labcorp
Classification: Uncertain significance for Gorlin syndrome. Last evaluated: 2025-09-23. Review status: criteria provided, single submitter. Criteria: Invitae Variant Classification Sherloc (09022015). Collection method: clinical testing. Allele origin: germline.
Comment: This sequence change replaces asparagine, which is neutral and polar, with aspartic acid, which is acidic and polar, at codon 298 of the PTCH1 protein (p.Asn298Asp). This variant is not present in population databases (gnomAD no frequency). This variant has not been reported in the literature in individuals affected with PTCH1-related conditions. ClinVar contains an entry for this variant (Variation ID: 2449639). Invitae Evidence Modeling of protein sequence and biophysical properties (such as structural, functional, and spatial information, amino acid conservation, physicochemical variation, residue mobility, and thermodynamic stability) indicates that this missense variant is not expected to disrupt PTCH1 protein function with a negative predictive value of 95%. In summary, the available evidence is currently insufficient to determine the role of this variant in disease. Therefore, it has been classified as a Variant of Uncertain Significance.

Ambry Genetics
Classification: Uncertain significance for Hereditary cancer-predisposing syndrome. Last evaluated: 2022-12-15. Review status: criteria provided, single submitter. Criteria: Ambry Variant Classification Scheme 2023. Collection method: clinical testing. Allele origin: germline.
Comment: The p.N298D variant (also known as c.892A>G), located in coding exon 6 of the PTCH1 gene, results from an A to G substitution at nucleotide position 892. The asparagine at codon 298 is replaced by aspartic acid, an amino acid with highly similar properties. This amino acid position is conserved. In addition, this alteration is predicted to be tolerated by in silico analysis. Since supporting evidence is limited at this time, the clinical significance of this alteration remains unclear.